The following is an entry in ClinVar:

NM_201253.3(CRB1):c.2752A>T (p.Ser918Cys)

Gene: CRB1 (crumbs cell polarity complex component 1; plus strand). Cytogenetic location: 1q31.3.
Variant type: single nucleotide variant.
Coding change: c.2752A>T on transcript NM_201253.3 (MANE Select); coding-DNA position 2752, A replaced by T.
Protein change: p.Ser918Cys; replaces serine 918 with cysteine.
Molecular consequence: missense variant. On other transcripts: non-coding transcript variant (2), intron variant (1).
Genome position (GRCh38, 1-based): chr1:197,429,524, A>T. VCF-style: chr1-197429524-A-T. GRCh37 (hg19) VCF-style: chr1-197398654-A-T.
Other names: c.2416A>T, p.Ser806Cys (NM_001193640.2); c.2680A>T, p.Ser894Cys (NM_001257965.2); c.2129-6076A>T (NM_001257966.2); c.2752A>T (NM_201253.2); short protein forms S918C, S806C, S894C.
Identifiers: ClinVar variation 1418393 (VCV001418393.7), dbSNP rs776426313, ClinGen allele CA35902500.
Genomic context (GRCh38, chr1:197,429,524, plus strand): 5'-AATGGAGGTGTTTGCCATTCCCGGTGGGATGACTTCTCCTGTTCCTGTCCTGCCCTCACA[A>T]GTGGGAAAGCCTGTGAGGAGGTTCAGTGGTGTGGATTCAGCCCGTGTCCTCACGGAGCCC-3'
Protein context (NP_957705.1, residues 908-928): DFSCSCPALT[Ser918Cys]GKACEEVQWC

ClinVar aggregate classification (germline): Uncertain significance. Review status: criteria provided, multiple submitters, no conflicts (2 of 4 stars). 4 submissions from 4 submitters: Uncertain significance (4). Last evaluated 2026-04-23.

Conditions:
Retinitis pigmentosa 12 (RP12). Also called: RP WITH OR WITHOUT PRESERVED PARAARTERIOLE RETINAL PIGMENT EPITHELIUM; RETINITIS PIGMENTOSA WITH OR WITHOUT PARAARTERIOLAR PRESERVATION OF RETINAL PIGMENT EPITHELIUM; RP WITH OR WITHOUT PPRPE. Identifiers: Orphanet 791, MedGen C1838647, MONDO:0010818, OMIM 600105.
Leber congenital amaurosis 8 (LCA8). Identifiers: Orphanet 65, MedGen C3151202, MONDO:0013453, OMIM 613835.
CRB1-related disorder. Also called: CRB1-related disorders; CRB1-related condition.

Allele frequency attached by ClinVar (database versions not stated): gnomAD 0.00001 and 0.00002; TOPMed 0.00003.
gnomAD v4.1: 6 of 1,613,640 alleles (0.00037%); highest among the groups gnomAD compares: African/African-American, 0.0053%; no homozygotes.

Submissions (4):

PreventionGenetics, part of Exact Sciences
Classification: Uncertain significance for CRB1-related condition. Last evaluated: 2026-04-23. Review status: criteria provided, single submitter. Criteria: ACMG Guidelines, 2015. Collection method: clinical testing. Allele origin: germline.
Comment: The CRB1 c.2752A>T variant is predicted to result in the amino acid substitution p.Ser918Cys. This variant has been reported, along with a second CRB1 missense variant, in an individual with retinitis pigmentosa (Table S1, Talib et al. 2021. PubMed ID: 33579689). This variant has also been reported in the homozygous state in an individual with macular dystrophy (Table S2, Hitti-Malin et al. 2024. PubMed ID: 38540785). This variant is present in 0.012% of alleles in individuals of African descent in gnomAD. At this time, the clinical significance of this variant is uncertain due to the absence of conclusive functional and genetic evidence.

Labcorp Genetics (formerly Invitae), Labcorp
Classification: Uncertain significance for Leber congenital amaurosis 8; Retinitis pigmentosa 12. Last evaluated: 2024-10-26. Review status: criteria provided, single submitter. Criteria: Invitae Variant Classification Sherloc (09022015). Collection method: clinical testing. Allele origin: germline.
Comment: This sequence change replaces serine, which is neutral and polar, with cysteine, which is neutral and slightly polar, at codon 918 of the CRB1 protein (p.Ser918Cys). This variant is present in population databases (no rsID available, gnomAD 0.01%). This missense change has been observed in individuals with clinical features of CRB1-related conditions (PMID: 33579689; internal data). ClinVar contains an entry for this variant (Variation ID: 1418393). Invitae Evidence Modeling of protein sequence and biophysical properties (such as structural, functional, and spatial information, amino acid conservation, physicochemical variation, residue mobility, and thermodynamic stability) has been performed for this missense variant. However, the output from this modeling did not meet the statistical confidence thresholds required to predict the impact of this variant on CRB1 protein function. In summary, the available evidence is currently insufficient to determine the role of this variant in disease. Therefore, it has been classified as a Variant of Uncertain Significance.

Women's Health and Genetics/Laboratory Corporation of America, LabCorp
Classification: Uncertain significance. Last evaluated: 2023-11-15. Review status: criteria provided, single submitter. Criteria: LabCorp Variant Classification Summary - May 2015. Collection method: clinical testing. Allele origin: germline.
Comment: Variant summary: CRB1 c.2752A>T (p.Ser918Cys) results in a non-conservative amino acid change located in the one of the EGF-like repeat domains (IPR000742) of the encoded protein sequence. Four of five in-silico tools predict a damaging effect of the variant on protein function. The variant allele was found at a frequency of 4e-06 in 251312 control chromosomes (gnomAD). c.2752A>T has been reported in the literature in acompound heterozygous individual affected with retinitis pigmentosa (e.g. Talib_2022), and was also reported in individual(s) with clinical features of CRB1-related conditions in ClinVar (RCV001930923.2). These data indicate that the variant may be associated with disease. To our knowledge, no experimental evidence demonstrating an impact on protein function has been reported. The following publication have been ascertained in the context of this evaluation (PMID: 33579689). One submitter has cited clinical-significance assessments for this variant to ClinVar after 2014 and has classified the variant as uncertain significance. Based on the evidence outlined above, the variant was classified as VUS-possibly pathogenic.

Blueprint Genetics
Classification: Uncertain significance. Last evaluated: 2022-06-03. Review status: criteria provided, single submitter. Criteria: ACMG Guidelines, 2015. Collection method: clinical testing. Allele origin: germline.

Literature cited by the submitters: PubMed 33579689 (cited by Labcorp Genetics (formerly Invitae), Labcorp and Women's Health and Genetics/Laboratory Corporation of America, LabCorp).